The following is an entry in ClinVar:

ClinVar aggregate classification (germline): Uncertain significance (1 of 4 stars; one submission).

Conditions:
NDE1-related microhydranencephaly (MHAC). Also called: HYDRANENCEPHALY AND MICROCEPHALY. Identifiers: Orphanet 443162, MedGen C1857977, MONDO:0011504, OMIM 605013.

Allele frequency attached by ClinVar (database versions not stated): gnomAD exomes below 0.00001.
gnomAD v4.1: 2 of 1,614,162 alleles (0.00012%); highest among the groups gnomAD compares: Non-Finnish European, 0.00017%; no homozygotes.

Submission:

Baylor Genetics
Classification: Uncertain significance for NDE1-related microhydranencephaly. Last evaluated: 2020-03-06. Review status: criteria provided, single submitter. Criteria: ACMG Guidelines, 2015. Collection method: clinical testing. Allele origin: unknown. Affected: yes.
Comment: This variant was determined to be of uncertain significance according to ACMG Guidelines, 2015 [PMID:25741868].

NM_017668.3(NDE1):c.568A>G (p.Arg190Gly)

Gene: NDE1 (nudE neurodevelopment protein 1; plus strand). Cytogenetic location: 16p13.11.
Variant type: single nucleotide variant.
Coding change: c.568A>G on transcript NM_017668.3 (MANE Select); coding-DNA position 568, A replaced by G.
Protein change: p.Arg190Gly; replaces arginine 190 with glycine.
Molecular consequence: missense variant.
Genome position (GRCh38, 1-based): chr16:15,691,188, A>G. VCF-style: chr16-15691188-A-G. GRCh37 (hg19) VCF-style: chr16-15785045-A-G.
Other names: c.568A>G, p.Arg190Gly (NM_001143979.2); short protein forms R190G.
Identifiers: ClinVar variation 1030209 (VCV001030209.1), dbSNP rs2038731014, ClinGen allele CA394856080.